The following is an entry in ClinVar:

ClinVar aggregate classification (germline): Uncertain significance. Review status: criteria provided, multiple submitters, no conflicts (2 of 4 stars). 2 submissions from 2 submitters: Uncertain significance (2). Last evaluated 2024-10-21.

Conditions:
Inborn genetic diseases. Identifiers: MedGen C0950123, MeSH D030342.

Allele frequency attached by ClinVar (database versions not stated): gnomAD 0.00002; ExAC 0.00003; gnomAD exomes 0.00003 and 0.00006; TOPMed 0.00005; ESP Exome Variant Server 0.00008.
gnomAD v4.1: 44 of 1,613,144 alleles (0.0027%); highest among the groups gnomAD compares: Middle Eastern, 0.016%; no homozygotes.

Submissions (2):

Labcorp Genetics (formerly Invitae), Labcorp
Classification: Uncertain significance. Last evaluated: 2024-10-21. Review status: criteria provided, single submitter. Criteria: Invitae Variant Classification Sherloc (09022015). Collection method: clinical testing. Allele origin: germline.
Comment: This sequence change replaces alanine, which is neutral and non-polar, with threonine, which is neutral and polar, at codon 1378 of the MYO18B protein (p.Ala1378Thr). This variant is present in population databases (rs375337701, gnomAD 0.02%). This variant has not been reported in the literature in individuals affected with MYO18B-related conditions. ClinVar contains an entry for this variant (Variation ID: 1425307). An algorithm developed to predict the effect of missense changes on protein structure and function (PolyPhen-2) suggests that this variant¬†is likely to be tolerated. In summary, the available evidence is currently insufficient to determine the role of this variant in disease. Therefore, it has been classified as a Variant of Uncertain Significance.

Ambry Genetics
Classification: Uncertain significance for Inborn genetic diseases. Last evaluated: 2021-08-19. Review status: criteria provided, single submitter. Criteria: Ambry Variant Classification Scheme 2023. Collection method: clinical testing. Allele origin: germline.

NM_032608.7(MYO18B):c.4132G>A (p.Ala1378Thr)

Gene: MYO18B (myosin XVIIIB; plus strand). Cytogenetic location: 22q12.1.
Variant type: single nucleotide variant.
Coding change: c.4132G>A on transcript NM_032608.7 (MANE Select); coding-DNA position 4132, G replaced by A.
Protein change: p.Ala1378Thr; replaces alanine 1378 with threonine.
Molecular consequence: missense variant.
Genome position (GRCh38, 1-based): chr22:25,876,240, G>A. VCF-style: chr22-25876240-G-A. GRCh37 (hg19) VCF-style: chr22-26272207-G-A.
Other names: c.4135G>A, p.Ala1379Thr (NM_001318245.2); c.4132G>A (NM_032608.5); short protein forms A1378T, A1379T.
Identifiers: ClinVar variation 1425307 (VCV001425307.5), dbSNP rs375337701, ClinGen allele CA10160772.